The following is an entry in ClinVar:

NM_001940.4(ATN1):c.1461A>G (p.Gln487=)

Genes: ATN1 (atrophin 1; plus strand), LOC109461484 (atrophin 1 repeat instability region; plus strand). Cytogenetic location: 12p13.31.
Variant type: single nucleotide variant.
Coding change: c.1461A>G on transcript NM_001940.4 (MANE Select); coding-DNA position 1461, A replaced by G.
Protein change: p.Gln487=; no amino-acid change (glutamine 487 retained).
Molecular consequence: synonymous variant.
Genome position (GRCh38, 1-based): chr12:6,936,728, A>G. VCF-style: chr12-6936728-A-G. GRCh37 (hg19) VCF-style: chr12-7045891-A-G.
Other names: c.1461A>G, p.Gln487= (NM_001007026.2).
Identifiers: ClinVar variation 210373 (VCV000210373.31), dbSNP rs150855426, ClinGen allele CA207316.

ClinVar aggregate classification (germline): Conflicting classifications of pathogenicity. Review status: criteria provided, conflicting classifications (1 of 4 stars). 3 submissions from 3 submitters: Uncertain significance (1); Likely benign (2). Last evaluated 2026-09-01.

Allele frequency attached by ClinVar (database versions not stated): ESP Exome Variant Server 0.00023; gnomAD 0.00040 and 0.00041.

Submissions (3):

CeGaT Center for Human Genetics Tuebingen
Classification: Likely benign. Last evaluated: 2026-09-01. Review status: criteria provided, single submitter. Criteria: CeGaT Center For Human Genetics Tuebingen Variant Classification Criteria Version 2. Collection method: clinical testing. Allele origin: germline. Affected: yes. Observed: 9 variant alleles.
Comment: ATN1: BP4, BP7

Blueprint Genetics
Classification: Likely benign. Last evaluated: 2024-11-19. Review status: criteria provided, single submitter. Criteria: ACMG Guidelines, 2015. Collection method: clinical testing. Allele origin: germline.

Genetic Services Laboratory, University of Chicago
Classification: Uncertain significance. Last evaluated: 2014-04-04. Review status: criteria provided, single submitter. Criteria: ACMG Guidelines, 2007. Collection method: clinical testing. Allele origin: germline.